The following is an entry in ClinVar:

NM_015466.4(PTPN23):c.3502C>A (p.Pro1168Thr)

Gene: PTPN23 (protein tyrosine phosphatase non-receptor type 23; plus strand). Cytogenetic location: 3p21.31.
Variant type: single nucleotide variant.
Coding change: c.3502C>A on transcript NM_015466.4 (MANE Select); coding-DNA position 3502, C replaced by A.
Protein change: p.Pro1168Thr; replaces proline 1168 with threonine.
Molecular consequence: missense variant.
Genome position (GRCh38, 1-based): chr3:47,411,300, C>A. VCF-style: chr3-47411300-C-A. GRCh37 (hg19) VCF-style: chr3-47452790-C-A.
Other names: c.3124C>A, p.Pro1042Thr (NM_001304482.2); c.3502C>A (NM_015466.2); short protein forms P1042T, P1168T.
Identifiers: ClinVar variation 1484508 (VCV001484508.8), dbSNP rs2107724994, ClinGen allele CA352562464.

ClinVar aggregate classification (germline): Uncertain significance. Review status: criteria provided, multiple submitters, no conflicts (2 of 4 stars). 2 submissions from 2 submitters: Uncertain significance (2). Last evaluated 2025-09-06.

Submissions (2):

GeneDx
Classification: Uncertain significance. Last evaluated: 2025-09-06. Review status: criteria provided, single submitter. Criteria: GeneDx Variant Classification Process June 2021. Collection method: clinical testing. Allele origin: germline.
Comment: Not observed at significant frequency in large population cohorts (gnomAD); In silico analysis supports that this missense variant has a deleterious effect on protein structure/function; Has not been previously published as pathogenic or benign to our knowledge

Labcorp Genetics (formerly Invitae), Labcorp
Classification: Uncertain significance. Last evaluated: 2022-06-05. Review status: criteria provided, single submitter. Criteria: Invitae Variant Classification Sherloc (09022015). Collection method: clinical testing. Allele origin: germline.
Comment: This variant has not been reported in the literature in individuals affected with PTPN23-related conditions. ClinVar contains an entry for this variant (Variation ID: 1484508). Algorithms developed to predict the effect of missense changes on protein structure and function are either unavailable or do not agree on the potential impact of this missense change (SIFT: "Tolerated"; PolyPhen-2: "Possibly Damaging"; Align-GVGD: "Class C0"). In summary, the available evidence is currently insufficient to determine the role of this variant in disease. Therefore, it has been classified as a Variant of Uncertain Significance. This variant is not present in population databases (gnomAD no frequency). This sequence change replaces proline, which is neutral and non-polar, with threonine, which is neutral and polar, at codon 1168 of the PTPN23 protein (p.Pro1168Thr).